The following is an entry in ClinVar:

NM_004055.5(CAPN5):c.929G>A (p.Arg310Gln)

Gene: CAPN5 (calpain 5; plus strand). Cytogenetic location: 11q13.5.
Variant type: single nucleotide variant.
Coding change: c.929G>A on transcript NM_004055.5 (MANE Select); coding-DNA position 929, G replaced by A.
Protein change: p.Arg310Gln; replaces arginine 310 with glutamine.
Molecular consequence: missense variant.
Genome position (GRCh38, 1-based): chr11:77,116,261, G>A. VCF-style: chr11-77116261-G-A. GRCh37 (hg19) VCF-style: chr11-76827307-G-A.
Other names: short protein forms R310Q.
Identifiers: ClinVar variation 1935613 (VCV001935613.5), dbSNP rs1323877204, ClinGen allele CA381939886.

ClinVar aggregate classification (germline): Uncertain significance (1 of 4 stars; one submission).

Allele frequency attached by ClinVar (database versions not stated): gnomAD 0.00001; TOPMed 0.00001.
gnomAD v4.1: 3 of 1,613,578 alleles (0.00019%); highest among the groups gnomAD compares: African/African-American, 0.0013%; no homozygotes.

Submission:

Labcorp Genetics (formerly Invitae), Labcorp
Classification: Uncertain significance. Last evaluated: 2025-03-17. Review status: criteria provided, single submitter. Criteria: Invitae Variant Classification Sherloc (09022015). Collection method: clinical testing. Allele origin: germline.
Comment: This sequence change replaces arginine, which is basic and polar, with glutamine, which is neutral and polar, at codon 310 of the CAPN5 protein (p.Arg310Gln). This variant is not present in population databases (gnomAD no frequency). This variant has not been reported in the literature in individuals affected with CAPN5-related conditions. ClinVar contains an entry for this variant (Variation ID: 1935613). Invitae Evidence Modeling of protein sequence and biophysical properties (such as structural, functional, and spatial information, amino acid conservation, physicochemical variation, residue mobility, and thermodynamic stability) indicates that this missense variant is not expected to disrupt CAPN5 protein function with a negative predictive value of 80%. In summary, the available evidence is currently insufficient to determine the role of this variant in disease. Therefore, it has been classified as a Variant of Uncertain Significance.